The following is an entry in ClinVar:

NM_003036.4(SKI):c.2011C>T (p.Gln671Ter)

Gene: SKI (SKI proto-oncogene; plus strand). Cytogenetic location: 1p36.32.
Variant type: single nucleotide variant.
Coding change: c.2011C>T on transcript NM_003036.4 (MANE Select); coding-DNA position 2011, C replaced by T.
Protein change: p.Gln671Ter; replaces glutamine 671 with a stop codon.
Molecular consequence: nonsense.
Genome position (GRCh38, 1-based): chr1:2,306,589, C>T. VCF-style: chr1-2306589-C-T. GRCh37 (hg19) VCF-style: chr1-2238028-C-T.
Other names: short protein forms Q671*.
Identifiers: ClinVar variation 3366028 (VCV003366028.1).
Genomic context (GRCh38, chr1:2,306,589, plus strand): 5'-GGGGCAGGGCAGCGAGCAGGCGCCGCTGACCACTCGGCTCCCTTTCAGATCGAAGACCTG[C>T]AGGTGAAGCTGCAGCACGCGGAGGCGGACCGGGAGCAGCTGCGGGCCGACCTGCTGCGGG-3'

ClinVar aggregate classification (germline): Uncertain significance (1 of 4 stars; one submission).

Submission:

GeneDx
Classification: Uncertain significance. Last evaluated: 2023-10-13. Review status: criteria provided, single submitter. Criteria: GeneDx Variant Classification Process June 2021. Collection method: clinical testing. Allele origin: germline. Affected: yes.
Comment: Not observed at significant frequency in large population cohorts (gnomAD); Has not been previously published as pathogenic or benign to our knowledge; Nonsense variant predicted to result in protein truncation as the last 58 amino acids are lost in a gene for which loss-of-function is not an established mechanism of disease